The following is an entry in ClinVar:

NM_001142800.2(EYS):c.6920del (p.Gly2307fs)

Gene: EYS (EGF-like photoreceptor maintenance factor; minus strand). Cytogenetic location: 6q12.
Variant type: Deletion.
Coding change: c.6920del on transcript NM_001142800.2 (MANE Select); coding-DNA position 6920, one base deleted (G; older notation c.6920delG).
Protein change: p.Gly2307fs; shifts the reading frame from glycine 2307.
Molecular consequence: frameshift variant.
Genome position (GRCh38, 1-based): chr6:63,984,518, C deleted on the plus strand (G on the coding strand, the reverse complement: EYS is on the minus strand); the first of 4 consecutive C bases (chr6:63,984,518-63,984,521); deleting any one gives the same sequence. VCF-style (leftmost placement, unchanged base first): chr6-63984517-GC-G. GRCh37 (hg19) VCF-style: chr6-64694410-GC-G.
Other names: c.6920del, p.Gly2307fs (NM_001292009.2); short protein forms G2307fs.
Identifiers: ClinVar variation 2093243 (VCV002093243.4), dbSNP rs2533329634, ClinGen allele CA645542162.

ClinVar aggregate classification (germline): Pathogenic (1 of 4 stars; one submission).

Submission:

Labcorp Genetics (formerly Invitae), Labcorp
Classification: Pathogenic. Last evaluated: 2022-02-04. Review status: criteria provided, single submitter. Criteria: Invitae Variant Classification Sherloc (09022015). Collection method: clinical testing. Allele origin: germline.
Comment: For these reasons, this variant has been classified as Pathogenic. This variant has not been reported in the literature in individuals affected with EYS-related conditions. This variant is not present in population databases (gnomAD no frequency). This sequence change creates a premature translational stop signal (p.Gly2307Alafs*4) in the EYS gene. It is expected to result in an absent or disrupted protein product. Loss-of-function variants in EYS are known to be pathogenic (PMID: 18836446, 20333770).

Literature cited by the submitters: PubMed 18836446; PubMed 20333770.